The following is an entry in ClinVar:

ClinVar aggregate classification (germline): Uncertain significance. Review status: criteria provided, multiple submitters, no conflicts (2 of 4 stars). 7 submissions from 6 submitters: Uncertain significance (6). 1 of the submissions does not count toward it. Last evaluated 2025-11-25.

Conditions:
Ocular cystinosis. Also called: Non-Nephropathic Cystinosis; Non-Nephropathic (Ocular) Cystinosis. Identifiers: Orphanet 213, Orphanet 411641, MedGen C2931013, MONDO:0009064, OMIM 219750.
Juvenile nephropathic cystinosis. Also called: Intermediate Cystinosis; Later-Onset (Juvenile) Cystinosis; CYSTINOSIS, LATE-ONSET JUVENILE OR ADOLESCENT NEPHROPATHIC TYPE. Identifiers: Orphanet 213, Orphanet 411634, MedGen C0268626, MONDO:0009066, OMIM 219900.
Inborn genetic diseases. Identifiers: MedGen C0950123, MeSH D030342.
Nephropathic cystinosis (CTNS). Also called: CYSTINOSIN, DEFECT OF; LYSOSOMAL CYSTINE TRANSPORT PROTEIN, DEFECT OF; Abderhalden Lignac Kaufmann disease; Abderhalden-Kaufmann-Lignac syndrome. Identifiers: Orphanet 213, Orphanet 411629, MedGen C2931187, MONDO:0100151, OMIM 219800.
Cystinosis. Also called: Cystine diathesis; Cystine storage disease; Cystinoses. Identifiers: Orphanet 213, MedGen C4316899, MONDO:0016239.
CTNS-related disorder. Also called: CTNS-related condition.

Allele frequency attached by ClinVar (database versions not stated): gnomAD 0.00001; gnomAD exomes 0.00001 and 0.00002; ExAC 0.00004; TOPMed 0.00004.
gnomAD v4.1: 14 of 1,613,936 alleles (0.00087%); highest among the groups gnomAD compares: Admixed American, 0.0017%; no homozygotes.

Submissions (9):

Ambry Genetics
Classification: Uncertain significance for Inborn genetic diseases. Last evaluated: 2025-11-25. Review status: criteria provided, single submitter. Criteria: Ambry Variant Classification Scheme 2023. Collection method: clinical testing. Allele origin: germline.

Labcorp Genetics (formerly Invitae), Labcorp
Classification: Uncertain significance for Inborn genetic diseases; Ocular cystinosis; Juvenile nephropathic cystinosis. Last evaluated: 2024-03-19. Review status: criteria provided, single submitter. Criteria: Invitae Variant Classification Sherloc (09022015). Collection method: clinical testing. Allele origin: germline.
Comment: This sequence change replaces arginine, which is basic and polar, with tryptophan, which is neutral and slightly polar, at codon 152 of the CTNS protein (p.Arg152Trp). This variant is present in population databases (rs754433265, gnomAD 0.004%). This variant has not been reported in the literature in individuals affected with CTNS-related conditions. ClinVar contains an entry for this variant (Variation ID: 889140). Advanced modeling of protein sequence and biophysical properties (such as structural, functional, and spatial information, amino acid conservation, physicochemical variation, residue mobility, and thermodynamic stability) performed at Invitae indicates that this missense variant is expected to disrupt CTNS protein function with a positive predictive value of 80%. In summary, the available evidence is currently insufficient to determine the role of this variant in disease. Therefore, it has been classified as a Variant of Uncertain Significance.

PreventionGenetics, part of Exact Sciences
Classification: Uncertain significance for CTNS-related condition. Last evaluated: 2022-11-10. Review status: criteria provided, single submitter. Criteria: ACMG Guidelines, 2015. Collection method: clinical testing. Allele origin: germline.
Comment: The CTNS c.454C>T variant is predicted to result in the amino acid substitution p.Arg152Trp. To our knowledge, this variant has not been reported in the literature. This variant is reported in 0.0044% of alleles in individuals of European (Non-Finnish) descent in gnomAD. At this time, the clinical significance of this variant is uncertain due to the absence of conclusive functional and genetic evidence.

Fulgent Genetics
Classification: Uncertain significance for Ocular cystinosis; Nephropathic cystinosis; Juvenile nephropathic cystinosis. Last evaluated: 2022-02-17. Review status: criteria provided, single submitter. Criteria: ACMG Guidelines, 2015. Collection method: clinical testing. Allele origin: unknown.

Illumina Laboratory Services, Illumina
Classification: Uncertain significance for Nephropathic cystinosis. Last evaluated: 2018-01-13. Review status: criteria provided, single submitter. Criteria: ICSL Variant Classification Criteria 13 December 2019. Collection method: clinical testing. Allele origin: germline.

Illumina Laboratory Services, Illumina
Classification: Uncertain significance for Ocular cystinosis. Last evaluated: 2018-01-13. Review status: criteria provided, single submitter. Criteria: ICSL Variant Classification Criteria 13 December 2019. Collection method: clinical testing. Allele origin: germline.

Natera, Inc.
Classification: Uncertain significance for Cystinosis. Last evaluated: 2020-08-13. Review status: no assertion criteria provided. Collection method: clinical testing. Allele origin: germline. Not counted in ClinVar's aggregate classification.

Dr. Peter K. Rogan Lab, Western University
No classification provided (evidence only). Condition: Melanoma. Review status: no classification provided. Collection method: in vitro. Allele origin: not applicable. Functional consequence: retained intron. Not counted in ClinVar's aggregate classification.

Dr. Peter K. Rogan Lab, Western University
No classification provided (evidence only). Condition: Gastric cancer. Review status: no classification provided. Collection method: in vitro. Allele origin: not applicable. Functional consequence: retained intron. Not counted in ClinVar's aggregate classification.

NM_004937.3(CTNS):c.454C>T (p.Arg152Trp)

Genes: CTNS (cystinosin, lysosomal cystine transporter; plus strand), CTNS-AS1 (CTNS antisense RNA 1; minus strand). Cytogenetic location: 17p13.2.
Variant type: single nucleotide variant.
Coding change: c.454C>T on transcript NM_004937.3 (MANE Select); coding-DNA position 454, C replaced by T.
Protein change: p.Arg152Trp; replaces arginine 152 with tryptophan.
Molecular consequence: missense variant.
Genome position (GRCh38, 1-based): chr17:3,655,345, C>T. VCF-style: chr17-3655345-C-T. GRCh37 (hg19) VCF-style: chr17-3558639-C-T.
Other names: c.454C>T (NM_001031681.2); c.454C>T, p.Arg152Trp (NM_001031681.3, NM_001374492.1); c.13C>T, p.Arg5Trp (NM_001374493.1, NM_001374494.1, NM_001374495.1 and 1 more transcripts); short protein forms R152W, R5W.
Identifiers: ClinVar variation 889140 (VCV000889140.9), dbSNP rs754433265, ClinGen allele CA8291714.